The following is an entry in ClinVar:

NM_182961.4(SYNE1):c.11030G>A (p.Cys3677Tyr)

Gene: SYNE1 (spectrin repeat containing nuclear envelope protein 1; minus strand). Cytogenetic location: 6q25.2.
Variant type: single nucleotide variant.
Coding change: c.11030G>A on transcript NM_182961.4 (MANE Select); coding-DNA position 11030, G replaced by A.
Protein change: p.Cys3677Tyr; replaces cysteine 3677 with tyrosine.
Molecular consequence: missense variant.
Genome position (GRCh38, 1-based): chr6:152,353,641, C>T on the plus strand (G>A on the coding strand, the complement: SYNE1 is on the minus strand). VCF-style: chr6-152353641-C-T. GRCh37 (hg19) VCF-style: chr6-152674776-C-T.
Other names: c.10985G>A, p.Cys3662Tyr (NM_033071.5); short protein forms C3662Y, C3677Y.
Identifiers: ClinVar variation 198371 (VCV000198371.62), dbSNP rs148028681, ClinGen allele CA246990.

ClinVar aggregate classification (germline): Conflicting classifications of pathogenicity. Review status: criteria provided, conflicting classifications (1 of 4 stars). 6 submissions from 6 submitters: Uncertain significance (1); Likely benign (4). 1 of the submissions does not count toward it. Last evaluated 2025-10-27.

Conditions:
SYNE1-related disorder. Also called: SYNE1-related disorders; SYNE1-related disease; SYNE1-related condition.
Autosomal recessive ataxia, Beauce type. Also called: SYNE1-Related Autosomal Recessive Cerebellar Ataxia; ATAXIA, RECESSIVE, OF BEAUCE; SYNE1 Deficiency; Spinocerebellar ataxia, autosomal recessive 8. Identifiers: Orphanet 88644, MedGen C1853116, MONDO:0012549, OMIM 610743.
Emery-Dreifuss muscular dystrophy 4, autosomal dominant (EDMD4). Also called: EMERY-DREIFUSS MUSCULAR DYSTROPHY 4 WITH VARIABLE FEATURES. Identifiers: Orphanet 261, MedGen C2751807, MONDO:0013071, OMIM 612998.

Allele frequency attached by ClinVar (database versions not stated): ESP Exome Variant Server 0.00077; TOPMed 0.00084; 1000 Genomes Project 30x 0.00234; 1000 Genomes Project 0.00260.
gnomAD v4.1: 232 of 1,614,194 alleles (0.014%); highest among the groups gnomAD compares: African/African-American, 0.28%; no homozygotes.

Submissions (6):

Labcorp Genetics (formerly Invitae), Labcorp
Classification: Likely benign for Emery-Dreifuss muscular dystrophy 4, autosomal dominant; Autosomal recessive ataxia, Beauce type. Last evaluated: 2025-10-27. Review status: criteria provided, single submitter. Criteria: Invitae Variant Classification Sherloc (09022015). Collection method: clinical testing. Allele origin: germline.

Athena Diagnostics
Classification: Likely benign. Last evaluated: 2025-09-04. Review status: criteria provided, single submitter. Criteria: Athena Diagnostics Criteria. Collection method: clinical testing. Allele origin: unknown.
Comment: The frequency of this variant in the general population is higher than would generally be expected for pathogenic variants in this gene. Computational tools predict this amino acid change may be benign.

GeneDx
Classification: Likely benign. Last evaluated: 2018-05-03. Review status: criteria provided, single submitter. Criteria: GeneDx Variant Classification Process June 2021. Collection method: clinical testing. Allele origin: germline. Affected: yes.

Eurofins Ntd Llc (ga)
Classification: Likely benign. Last evaluated: 2017-05-23. Review status: criteria provided, single submitter. Criteria: EGL Classification Definitions 2015. Collection method: clinical testing. Allele origin: germline. Observed: 3 variant alleles, 3 heterozygotes.

CeGaT Center for Human Genetics Tuebingen
Classification: Uncertain significance. Last evaluated: 2016-06-01. Review status: criteria provided, single submitter. Criteria: CeGaT Center For Human Genetics Tuebingen Variant Classification Criteria Version 2. Collection method: clinical testing. Allele origin: germline. Affected: yes. Observed: 1 variant allele.

PreventionGenetics, part of Exact Sciences
Classification: Likely benign for SYNE1-related condition. Last evaluated: 2023-05-30. Review status: no assertion criteria provided. Collection method: clinical testing. Allele origin: germline. Not counted in ClinVar's aggregate classification.
Comment: This variant is classified as likely benign based on ACMG/AMP sequence variant interpretation guidelines (Richards et al. 2015 PMID: 25741868, with internal and published modifications).